The following is an entry in ClinVar:

ClinVar aggregate classification (germline): Pathogenic (1 of 4 stars; one submission).

Conditions:
Perlman syndrome (PRLMNS). Identifiers: Orphanet 2849, MedGen C0796113, MONDO:0009965, OMIM 267000.

Submission:

Labcorp Genetics (formerly Invitae), Labcorp
Classification: Pathogenic for Perlman syndrome. Last evaluated: 2023-04-17. Review status: criteria provided, single submitter. Criteria: Invitae Variant Classification Sherloc (09022015). Collection method: clinical testing. Allele origin: germline.
Comment: For these reasons, this variant has been classified as Pathogenic. This variant has not been reported in the literature in individuals affected with DIS3L2-related conditions. This variant is not present in population databases (gnomAD no frequency). This sequence change creates a premature translational stop signal (p.Leu267Argfs*12) in the DIS3L2 gene. It is expected to result in an absent or disrupted protein product. Loss-of-function variants in DIS3L2 are known to be pathogenic (PMID: 22306653, 28328139).

Literature cited by the submitters: PubMed 22306653; PubMed 28328139.

NM_152383.5(DIS3L2):c.796_799dup (p.Leu267fs)

Gene: DIS3L2 (DIS3 like 3'-5' exoribonuclease 2; plus strand). Cytogenetic location: 2q37.1.
Variant type: Duplication.
Coding change: c.796_799dup on transcript NM_152383.5 (MANE Select); coding-DNA positions 796 to 799, 4 bases duplicated (GCCC; older notation c.796_799dupGCCC).
Protein change: p.Leu267fs; shifts the reading frame from leucine 267.
Molecular consequence: frameshift variant. On other transcripts: non-coding transcript variant (1).
Genome position (GRCh38, 1-based): chr2:232,136,565-232,136,568, GCCC duplicated; duplicating any 4 consecutive bases within chr2:232,136,564-232,136,568 gives the same sequence; the c. name uses the placement nearest the transcript's 3' end. VCF-style (leftmost placement, unchanged base first): chr2-232136563-A-ACGCC. GRCh37 (hg19) VCF-style: chr2-233001273-A-ACGCC.
Other names: c.796_799dup, p.Leu267fs (NM_001257281.2); short protein forms L267fs.
Identifiers: ClinVar variation 2857106 (VCV002857106.3), dbSNP rs2469848450, ClinGen allele CA2739279709.